The following is an entry in ClinVar:

ClinVar aggregate classification (germline): Uncertain significance (1 of 4 stars; one submission).

Conditions:
Hereditary cancer-predisposing syndrome. Also called: Neoplastic Syndromes, Hereditary; Tumor predisposition; Hereditary neoplastic syndrome; Hereditary Cancer Syndrome. Identifiers: Orphanet 140162, MedGen C0027672, MeSH D009386, MONDO:0015356.

Submission:

Ambry Genetics
Classification: Uncertain significance for Hereditary cancer-predisposing syndrome. Last evaluated: 2026-06-30. Review status: criteria provided, single submitter. Criteria: Ambry Variant Classification Scheme 2023. Collection method: clinical testing. Allele origin: germline.
Comment: The p.D1475A variant (also known as c.4424A>C), located in coding exon 12 of the BRCA1 gene, results from an A to C substitution at nucleotide position 4424. The aspartic acid at codon 1475 is replaced by alanine, an amino acid with dissimilar properties. This amino acid position is well conserved in available vertebrate species. In addition, the in silico prediction for this alteration is inconclusive. Based on the available evidence, the clinical significance of this variant remains unclear.

NM_007294.4(BRCA1):c.4424A>C (p.Asp1475Ala)

Gene: BRCA1 (BRCA1 DNA repair associated; minus strand). Cytogenetic location: 17q21.31.
Variant type: single nucleotide variant.
Coding change: c.4424A>C on transcript NM_007294.4 (MANE Select); coding-DNA position 4424, A replaced by C.
Protein change: p.Asp1475Ala; replaces aspartic acid 1475 with alanine.
Molecular consequence: missense variant. On other transcripts: intron variant (3).
Genome position (GRCh38, 1-based): chr17:43,076,548, T>G on the plus strand (A>C on the coding strand, the complement: BRCA1 is on the minus strand). VCF-style: chr17-43076548-T-G. GRCh37 (hg19) VCF-style: chr17-41228565-T-G.
Other names: c.1109A>C, p.Asp370Ala (NM_001408396.1, NM_001408397.1, NM_001408392.1 and 8 more transcripts); c.1103A>C, p.Asp368Ala (NM_001408409.1); c.1040A>C, p.Asp347Ala (NM_001408410.1); c.1037A>C, p.Asp346Ala (NM_001408411.1); c.1034A>C, p.Asp345Ala (NM_001408412.1, NM_001408413.1, NM_001408414.1 and 2 more transcripts); c.998A>C, p.Asp333Ala (NM_001408418.1, NM_001408419.1, NM_001408420.1); c.995A>C, p.Asp332Ala (NM_001408421.1, NM_001408422.1, NM_001408423.1 and 1 more transcripts); c.992A>C, p.Asp331Ala (NM_001408425.1, NM_001408426.1, NM_001408427.1 and 4 more transcripts); and 71 more; short protein forms D1306A, D1348A, D1387A, D1404A, D1405A, D1406A, D1428A, D1431A.
Identifiers: ClinVar variation 5033162 (VCV005033162.1).